The following is an entry in ClinVar:

NM_032043.3(BRIP1):c.3473T>G (p.Leu1158Trp)

Gene: BRIP1 (BRCA1 interacting DNA helicase 1; minus strand). Cytogenetic location: 17q23.2.
Variant type: single nucleotide variant.
Coding change: c.3473T>G on transcript NM_032043.3 (MANE Select); coding-DNA position 3473, T replaced by G.
Protein change: p.Leu1158Trp; replaces leucine 1158 with tryptophan.
Molecular consequence: missense variant.
Genome position (GRCh38, 1-based): chr17:61,683,573, A>C on the plus strand (T>G on the coding strand, the complement: BRIP1 is on the minus strand). VCF-style: chr17-61683573-A-C. GRCh37 (hg19) VCF-style: chr17-59760934-A-C.
Other names: short protein forms L1158W.
Identifiers: ClinVar variation 232260 (VCV000232260.20), dbSNP rs876659655, ClinGen allele CA10580772.
Genomic context (GRCh38, chr17:61,683,573, plus strand): 5'-TCTTTTATAGTTCTAATTTCAAAAAGGTCTTTAGCTAAAATGCAATCTGAATTGTTAGCC[A>C]ATCTATTTCCTCTATCAGTTTCAGCTAGGTCATTTTTTTCTTCATCTGTATCTTCAGGAT-3'
Protein context (NP_114432.2, residues 1148-1168): DLAETDRGNR[Leu1158Trp]ANNSDCILAK

ClinVar aggregate classification (germline): Uncertain significance. Review status: criteria provided, multiple submitters, no conflicts (2 of 4 stars). 3 submissions from 3 submitters: Uncertain significance (3). Last evaluated 2024-11-06.

Conditions:
Hereditary cancer-predisposing syndrome. Also called: Hereditary Cancer Syndrome; Neoplastic Syndromes, Hereditary; Tumor predisposition; Hereditary neoplastic syndrome. Identifiers: Orphanet 140162, MedGen C0027672, MeSH D009386, MONDO:0015356.
Fanconi anemia complementation group J. Also called: BRIP1-Related Fanconi Anemia. Identifiers: Orphanet 84, MedGen C1836860, MONDO:0012187, OMIM 609054.
Familial cancer of breast. Also called: Hereditary breast cancer; hereditary breast carcinoma; BREAST CANCER, FAMILIAL. Identifiers: Orphanet 227535, MedGen C0346153, MONDO:0016419, OMIM 114480. Disease mechanism: loss of function.

Allele frequency attached by ClinVar (database versions not stated): gnomAD exomes below 0.00001.
gnomAD v4.1: 3 of 1,612,764 alleles (0.00019%); highest among the groups gnomAD compares: Non-Finnish European, 0.00025%; no homozygotes.

Submissions (3):

Labcorp Genetics (formerly Invitae), Labcorp
Classification: Uncertain significance for Familial cancer of breast; Fanconi anemia complementation group J. Last evaluated: 2024-11-06. Review status: criteria provided, single submitter. Criteria: Invitae Variant Classification Sherloc (09022015). Collection method: clinical testing. Allele origin: germline.
Comment: This sequence change replaces leucine, which is neutral and non-polar, with tryptophan, which is neutral and slightly polar, at codon 1158 of the BRIP1 protein (p.Leu1158Trp). This variant is not present in population databases (gnomAD no frequency). This variant has not been reported in the literature in individuals affected with BRIP1-related conditions. ClinVar contains an entry for this variant (Variation ID: 232260). Invitae Evidence Modeling of protein sequence and biophysical properties (such as structural, functional, and spatial information, amino acid conservation, physicochemical variation, residue mobility, and thermodynamic stability) indicates that this missense variant is not expected to disrupt BRIP1 protein function with a negative predictive value of 95%. In summary, the available evidence is currently insufficient to determine the role of this variant in disease. Therefore, it has been classified as a Variant of Uncertain Significance.

Ambry Genetics
Classification: Uncertain significance for Hereditary cancer-predisposing syndrome. Last evaluated: 2024-02-16. Review status: criteria provided, single submitter. Criteria: Ambry Variant Classification Scheme 2023. Collection method: clinical testing. Allele origin: germline.
Comment: The p.L1158W variant (also known as c.3473T>G), located in coding exon 19 of the BRIP1 gene, results from a T to G substitution at nucleotide position 3473. The leucine at codon 1158 is replaced by tryptophan, an amino acid with similar properties. This amino acid position is not well conserved in available vertebrate species. In addition, this alteration is predicted to be tolerated by in silico analysis. Since supporting evidence is limited at this time, the clinical significance of this alteration remains unclear.

Color Diagnostics, LLC DBA Color Health
Classification: Uncertain significance for Hereditary cancer-predisposing syndrome. Last evaluated: 2023-12-05. Review status: criteria provided, single submitter. Criteria: ACMG Guidelines, 2015. Collection method: clinical testing. Allele origin: germline.
Comment: This missense variant replaces leucine with tryptophan at codon 1158 of the BRIP1 protein. Computational prediction suggests that this variant may not impact protein structure and function (internally defined REVEL score threshold <= 0.5, PMID: 27666373). To our knowledge, functional studies have not been reported for this variant. This variant has not been reported in individuals affected with BRIP1-related disorders in the literature. This variant has not been identified in the general population by the Genome Aggregation Database (gnomAD). The available evidence is insufficient to determine the role of this variant in disease conclusively. Therefore, this variant is classified as a Variant of Uncertain Significance.